The following is an entry in ClinVar:

ClinVar aggregate classification (germline): Uncertain significance (1 of 4 stars; one submission).

Conditions:
Amelocerebrohypohidrotic syndrome (KTZS). Also called: EPILEPSY AND YELLOW TEETH; EPILEPSY, DEMENTIA, AND AMELOGENESIS IMPERFECTA; KOHLSCHUTTER SYNDROME; Kohlschutter's syndrome. Identifiers: Orphanet 1946, MedGen C0406740, MONDO:0009185, OMIM 226750.

Submission:

Labcorp Genetics (formerly Invitae), Labcorp
Classification: Uncertain significance for Amelocerebrohypohidrotic syndrome. Last evaluated: 2022-07-06. Review status: criteria provided, single submitter. Criteria: Invitae Variant Classification Sherloc (09022015). Collection method: clinical testing. Allele origin: germline.
Comment: In summary, the available evidence is currently insufficient to determine the role of this variant in disease. Therefore, it has been classified as a Variant of Uncertain Significance. Algorithms developed to predict the effect of missense changes on protein structure and function are either unavailable or do not agree on the potential impact of this missense change (SIFT: "Deleterious"; PolyPhen-2: "Possibly Damaging"; Align-GVGD: "Class C0"). This variant has not been reported in the literature in individuals affected with ROGDI-related conditions. This variant is not present in population databases (gnomAD no frequency). This sequence change replaces alanine, which is neutral and non-polar, with proline, which is neutral and non-polar, at codon 29 of the ROGDI protein (p.Ala29Pro).

NM_024589.3(ROGDI):c.85G>C (p.Ala29Pro)

Gene: ROGDI (rogdi atypical leucine zipper; minus strand). Cytogenetic location: 16p13.3.
Variant type: single nucleotide variant.
Coding change: c.85G>C on transcript NM_024589.3 (MANE Select); coding-DNA position 85, G replaced by C.
Protein change: p.Ala29Pro; replaces alanine 29 with proline.
Molecular consequence: missense variant. On other transcripts: non-coding transcript variant (1).
Genome position (GRCh38, 1-based): chr16:4,802,414, C>G on the plus strand (G>C on the coding strand, the complement: ROGDI is on the minus strand). VCF-style: chr16-4802414-C-G. GRCh37 (hg19) VCF-style: chr16-4852415-C-G.
Other names: short protein forms A29P.
Identifiers: ClinVar variation 2014447 (VCV002014447.4), dbSNP rs376839753, ClinGen allele CA394656588.
Genomic context (GRCh38, chr16:4,802,414, plus strand): 5'-CCCGGCGGGGCAGGGCGCGGGTCGTTACCTTGAGGATGTCCTGCAGCTGCTTCAACACAG[C>G]GTGCACCTCGTCGTGCAGCAGCCAGCGGAACTCCTCCTCCTGCGGGACAGACCCGGCGGT-3'
Protein context (NP_078865.1, residues 19-39): FRWLLHDEVH[Ala29Pro]VLKQLQDILK